The following is an entry in ClinVar:

NM_014633.5(CTR9):c.904G>C (p.Glu302Gln)

Gene: CTR9 (CTR9 component of Paf1/RNA polymerase II complex; plus strand). Cytogenetic location: 11p15.4.
Variant type: single nucleotide variant.
Coding change: c.904G>C on transcript NM_014633.5 (MANE Select); coding-DNA position 904, G replaced by C.
Protein change: p.Glu302Gln; replaces glutamic acid 302 with glutamine.
Molecular consequence: missense variant.
Genome position (GRCh38, 1-based): chr11:10,763,485, G>C. VCF-style: chr11-10763485-G-C. GRCh37 (hg19) VCF-style: chr11-10785032-G-C.
Other names: c.904G>C, p.Glu302Gln (NM_001346279.2); short protein forms E302Q.
Identifiers: ClinVar variation 4781851 (VCV004781851.1).

ClinVar aggregate classification (germline): Uncertain significance (1 of 4 stars; one submission).

Submission:

Labcorp Genetics (formerly Invitae), Labcorp
Classification: Uncertain significance. Last evaluated: 2025-03-21. Review status: criteria provided, single submitter. Criteria: Invitae Variant Classification Sherloc (09022015). Collection method: clinical testing. Allele origin: germline.
Comment: This sequence change replaces glutamic acid, which is acidic and polar, with glutamine, which is neutral and polar, at codon 302 of the CTR9 protein (p.Glu302Gln). This variant is not present in population databases (gnomAD no frequency). This variant has not been reported in the literature in individuals affected with CTR9-related conditions. An algorithm developed to predict the effect of missense changes on protein structure and function (PolyPhen-2) suggests that this variant is likely to be tolerated. In summary, the available evidence is currently insufficient to determine the role of this variant in disease. Therefore, it has been classified as a Variant of Uncertain Significance.